The following is an entry in ClinVar:

NM_022132.5(MCCC2):c.659G>A (p.Gly220Glu)

Gene: MCCC2 (methylcrotonyl-CoA carboxylase subunit 2; plus strand). Cytogenetic location: 5q13.2.
Variant type: single nucleotide variant.
Coding change: c.659G>A on transcript NM_022132.5 (MANE Select); coding-DNA position 659, G replaced by A.
Protein change: p.Gly220Glu; replaces glycine 220 with glutamic acid.
Molecular consequence: missense variant. On other transcripts: intron variant (1).
Genome position (GRCh38, 1-based): chr5:71,626,674, G>A. VCF-style: chr5-71626674-G-A. GRCh37 (hg19) VCF-style: chr5-70922501-G-A.
Other names: c.659G>A (NM_022132.4); c.625-5447G>A (NM_001363147.1); short protein forms G220E.
Identifiers: ClinVar variation 2203657 (VCV002203657.9), dbSNP rs1254750166, ClinGen allele CA359983248.

ClinVar aggregate classification (germline): Conflicting classifications of pathogenicity. Review status: criteria provided, conflicting classifications (1 of 4 stars). 5 submissions from 5 submitters: Likely pathogenic (3); Uncertain significance (2). Last evaluated 2025-08-19.

Conditions:
3-methylcrotonyl-CoA carboxylase 2 deficiency. Also called: METHYLCROTONYLGLYCINURIA, TYPE II; 3 alpha methylcrotonyl-CoA carboxylase 2 deficiency; 3 alpha methylcrotonylglycinuria 2; MCC 2 deficiency; Methylcrotonylglycinuria type 2. Identifiers: Orphanet 6, MedGen C1859499, MONDO:0008862, OMIM 210210.

Allele frequency attached by ClinVar (database versions not stated): TOPMed below 0.00001.
gnomAD v4.1: 2 of 1,614,060 alleles (0.00012%); highest among the groups gnomAD compares: East Asian, 0.0022%; no homozygotes.

Submissions (5):

Myriad Genetics, Inc.
Classification: Uncertain significance for 3-methylcrotonyl-CoA carboxylase 2 deficiency. Last evaluated: 2025-08-19. Review status: criteria provided, single submitter. Criteria: Myriad Autosomal Dominant, Autosomal Recessive and X-Linked Classification Criteria (2023). Collection method: clinical testing. Allele origin: unknown.
Comment: NM_022132.4(MCCC2):c.659G>A(G220E) is a missense variant classified as a variant of uncertain significance in the context of 3-methylcrotonyl-CoA carboxylase deficiency, MCCC2-related. G220E has been observed in a case with relevant disease (PMID: 22642865). Relevant functional assessments of this variant are not available in the literature. G220E has not been observed in referenced population frequency databases. In summary, there is insufficient evidence to classify NM_022132.4(MCCC2):c.659G>A(G220E) as pathogenic or benign. Please note: this variant was assessed in the context of healthy population screening.

Labcorp Genetics (formerly Invitae), Labcorp
Classification: Likely pathogenic for 3-methylcrotonyl-CoA carboxylase 2 deficiency. Last evaluated: 2024-06-30. Review status: criteria provided, single submitter. Criteria: Invitae Variant Classification Sherloc (09022015). Collection method: clinical testing. Allele origin: germline.
Comment: This sequence change replaces glycine, which is neutral and non-polar, with glutamic acid, which is acidic and polar, at codon 220 of the MCCC2 protein (p.Gly220Glu). This variant is not present in population databases (gnomAD no frequency). This missense change has been observed in individual(s) with 3 methylcrotonyl-CoA carboxylase deficiency (PMID: 22642865). ClinVar contains an entry for this variant (Variation ID: 2203657). Advanced modeling of protein sequence and biophysical properties (such as structural, functional, and spatial information, amino acid conservation, physicochemical variation, residue mobility, and thermodynamic stability) performed at Invitae indicates that this missense variant is expected to disrupt MCCC2 protein function with a positive predictive value of 80%. In summary, the currently available evidence indicates that the variant is pathogenic, but additional data are needed to prove that conclusively. Therefore, this variant has been classified as Likely Pathogenic.

Fulgent Genetics
Classification: Likely pathogenic for 3-methylcrotonyl-CoA carboxylase 2 deficiency. Last evaluated: 2024-03-14. Review status: criteria provided, single submitter. Criteria: ACMG Guidelines, 2015. Collection method: clinical testing. Allele origin: germline.

Women's Health and Genetics/Laboratory Corporation of America, LabCorp
Classification: Uncertain significance. Last evaluated: 2023-08-31. Review status: criteria provided, single submitter. Criteria: LabCorp Variant Classification Summary - May 2015. Collection method: clinical testing. Allele origin: germline.
Comment: Variant summary: MCCC2 c.659G>A (p.Gly220Glu) results in a non-conservative amino acid change located in the Acetyl-CoA carboxylase domain (IPR034733) of the encoded protein sequence. Five of five in-silico tools predict a damaging effect of the variant on protein function. The variant was absent in 251470 control chromosomes (gnomAD). The available data on variant occurrences in the general population are insufficient to allow any conclusion about variant significance. c.659G>A has been reported in the literature in an individual affected with Methylcrotonyl-CoA Carboxylase Deficiency (example: Grunert_2012). These data do not allow any conclusion about variant significance. To our knowledge, no experimental evidence demonstrating an impact on protein function has been reported. The following publication has been ascertained in the context of this evaluation (PMID: 22642865). One submitter has cited clinical-significance assessments for this variant to ClinVar after 2014 and has classified the variant as likely pathogenic. Based on the evidence outlined above, the variant was classified as uncertain significance.

Juno Genomics, Hangzhou Juno Genomics, Inc
Classification: Likely pathogenic for 3-methylcrotonyl-CoA carboxylase 2 deficiency. Review status: criteria provided, single submitter. Criteria: ACMG Guidelines, 2015. Collection method: clinical testing. Allele origin: germline.
Comment: Absent from controls (or at extremely low frequency if recessive) in Genome Aggregation Database.;Multiple lines of computational evidence support a deleterious effect on the gene or gene product.;For recessive disorders, detected in trans with a pathogenic variant.;Patient's phenotype or family history is highly specific for a disease with a single genetic etiology.

Literature cited by the submitters: PubMed 22642865 (cited by 3 submitters).